The following is an entry in ClinVar:

ClinVar aggregate classification (germline): Uncertain significance (1 of 4 stars; one submission).

Conditions:
Neutropenia, severe congenital, 1, autosomal dominant. Identifiers: MedGen C1859966, MONDO:0042490, OMIM 202700.
Cyclical neutropenia. Also called: Cyclic hematopoiesis; Cyclic Neutropenia. Identifiers: Orphanet 2686, MedGen C0221023, MONDO:0008090, OMIM 162800, HP:0040289. Disease mechanism: loss of function.

Submission:

Labcorp Genetics (formerly Invitae), Labcorp
Classification: Uncertain significance for Neutropenia, severe congenital, 1, autosomal dominant; Cyclical neutropenia. Last evaluated: 2024-08-04. Review status: criteria provided, single submitter. Criteria: Invitae Variant Classification Sherloc (09022015). Collection method: clinical testing. Allele origin: germline.
Comment: This sequence change replaces arginine, which is basic and polar, with histidine, which is basic and polar, at codon 103 of the ELANE protein (p.Arg103His). The frequency data for this variant in the population databases is considered unreliable, as metrics indicate poor data quality at this position in the gnomAD database. This missense change has been observed in individual(s) with neutropenia (PMID: 34340247). Advanced modeling of protein sequence and biophysical properties (such as structural, functional, and spatial information, amino acid conservation, physicochemical variation, residue mobility, and thermodynamic stability) has been performed at Invitae for this missense variant, however the output from this modeling did not meet the statistical confidence thresholds required to predict the impact of this variant on ELANE protein function. This variant disrupts the p.Arg103 amino acid residue in ELANE. Other variant(s) that disrupt this residue have been determined to be pathogenic (PMID: 19775295, 23463630, 33225392; Invitae). This suggests that this residue is clinically significant, and that variants that disrupt this residue are likely to be disease-causing. In summary, the available evidence is currently insufficient to determine the role of this variant in disease. Therefore, it has been classified as a Variant of Uncertain Significance.

Literature cited by the submitters: PubMed 34340247; PubMed 19775295; PubMed 23463630; PubMed 33225392.

NM_001972.4(ELANE):c.308G>A (p.Arg103His)

Gene: ELANE (elastase, neutrophil expressed; plus strand). Cytogenetic location: 19p13.3.
Variant type: single nucleotide variant.
Coding change: c.308G>A on transcript NM_001972.4 (MANE Select); coding-DNA position 308, G replaced by A.
Protein change: p.Arg103His; replaces arginine 103 with histidine.
Molecular consequence: missense variant.
Genome position (GRCh38, 1-based): chr19:853,345, G>A. VCF-style: chr19-853345-G-A. GRCh37 (hg19) VCF-style: chr19-853345-G-A.
Other names: short protein forms R103H.
Identifiers: ClinVar variation 3762106 (VCV003762106.2).